The following is an entry in ClinVar:

NM_001165963.4(SCN1A):c.4446C>G (p.Ile1482Met)

Genes: SCN1A (sodium voltage-gated channel alpha subunit 1; minus strand), LOC102724058 (uncharacterized LOC102724058; plus strand). Cytogenetic location: 2q24.3.
Variant type: single nucleotide variant.
Coding change: c.4446C>G on transcript NM_001165963.4 (MANE Select); coding-DNA position 4446, C replaced by G.
Protein change: p.Ile1482Met; replaces isoleucine 1482 with methionine.
Molecular consequence: missense variant. On other transcripts: non-coding transcript variant (1).
Genome position (GRCh38, 1-based): chr2:165,998,068, G>C on the plus strand (C>G on the coding strand, the complement: SCN1A is on the minus strand). VCF-style: chr2-165998068-G-C. GRCh37 (hg19) VCF-style: chr2-166854578-G-C.
Other names: c.4362C>G, p.Ile1454Met (NM_001165964.3, NM_001353957.2, NM_001353958.2); c.4446C>G, p.Ile1482Met (NM_001202435.3, NM_001353948.2); c.4413C>G, p.Ile1471Met (NM_001353949.2, NM_001353950.2, NM_001353951.2 and 2 more transcripts); c.4410C>G, p.Ile1470Met (NM_001353954.2, NM_001353955.2); c.4359C>G, p.Ile1453Met (NM_001353960.2); c.2004C>G, p.Ile668Met (NM_001353961.2); short protein forms I1471M, I1482M, I1453M, I1470M, I668M, I1454M.
Identifiers: ClinVar variation 167637 (VCV000167637.13), dbSNP rs398123596, ClinGen allele CA234841.

ClinVar aggregate classification (germline): Uncertain significance. Review status: criteria provided, multiple submitters, no conflicts (2 of 4 stars). 2 submissions from 2 submitters: Uncertain significance (2). Last evaluated 2021-04-22.

Conditions:
Early-infantile DEE. Also called: Early infantile epileptic encephalopathy; Ohtahara syndrome; Early infantile epileptic encephalopathy with suppression bursts. Identifiers: Orphanet 1934, MedGen C0393706, MONDO:0800491.

Submissions (2):

Labcorp Genetics (formerly Invitae), Labcorp
Classification: Uncertain significance for Early-infantile DEE. Last evaluated: 2021-04-22. Review status: criteria provided, single submitter. Criteria: Invitae Variant Classification Sherloc (09022015). Collection method: clinical testing. Allele origin: germline.
Comment: In summary, the available evidence is currently insufficient to determine the role of this variant in disease. Therefore, it has been classified as a Variant of Uncertain Significance. Advanced modeling of protein sequence and biophysical properties (such as structural, functional, and spatial information, amino acid conservation, physicochemical variation, residue mobility, and thermodynamic stability) performed at Invitae indicates that this missense variant is expected to disrupt SCN1A protein function. This variant has not been reported in the literature in individuals with SCN1A-related conditions. ClinVar contains an entry for this variant (Variation ID: 167637). This variant is not present in population databases (ExAC no frequency). This sequence change replaces isoleucine with methionine at codon 1482 of the SCN1A protein (p.Ile1482Met). The isoleucine residue is highly conserved and there is a small physicochemical difference between isoleucine and methionine.

Eurofins Ntd Llc (ga)
Classification: Uncertain significance. Last evaluated: 2013-11-26. Review status: criteria provided, single submitter. Criteria: EGL Classification Definitions 2015. Collection method: clinical testing. Allele origin: germline. Observed: 1 variant allele, 1 heterozygote.